The following is an entry in ClinVar:

NM_002109.6(HARS1):c.457G>T (p.Ala153Ser)

Gene: HARS1 (histidyl-tRNA synthetase 1; minus strand). Cytogenetic location: 5q31.3.
Variant type: single nucleotide variant.
Coding change: c.457G>T on transcript NM_002109.6 (MANE Select); coding-DNA position 457, G replaced by T.
Protein change: p.Ala153Ser; replaces alanine 153 with serine.
Molecular consequence: missense variant. On other transcripts: intron variant (2).
Genome position (GRCh38, 1-based): chr5:140,679,067, C>A on the plus strand (G>T on the coding strand, the complement: HARS1 is on the minus strand). VCF-style: chr5-140679067-C-A. GRCh37 (hg19) VCF-style: chr5-140058652-C-A.
Other names: c.337G>T, p.Ala113Ser (NM_001258040.3, NM_001258042.3); c.457G>T, p.Ala153Ser (NM_001258041.3); c.370G>T, p.Ala124Ser (NM_001289094.2); c.181-1052G>T (NM_001289093.2); c.301-1052G>T (NM_001289092.2); short protein forms A153S, A113S, A124S.
Identifiers: ClinVar variation 540203 (VCV000540203.8), dbSNP rs746887565, ClinGen allele CA361257060.
Genomic context (GRCh38, chr5:140,679,067, plus strand): 5'-GGTAGAATTCCCGGTATCGGCCACGGGTCATGGCTGGGTTATCCCGCCGATATACCTTTG[C>A]TATGTGGTAGCGTTTAATGTTGGTCAGTTTATTCATTGCCAAATACCGAGCAAAAGGAAC-3'
Protein context (NP_002100.2, residues 143-163): KLTNIKRYHI[Ala153Ser]KVYRRDNPAM

ClinVar aggregate classification (germline): Uncertain significance (1 of 4 stars; one submission).

Conditions:
Usher syndrome type 3B. Also called: USHER SYNDROME, TYPE IIIB. Identifiers: MedGen C3281066, MONDO:0013788, OMIM 614504.

gnomAD v4.1: 1 of 1,614,066 alleles (0.000062%); highest among the groups gnomAD compares: Non-Finnish European, 0.000085%; no homozygotes.

Submission:

Labcorp Genetics (formerly Invitae), Labcorp
Classification: Uncertain significance for Usher syndrome type 3B. Last evaluated: 2017-12-12. Review status: criteria provided, single submitter. Criteria: Invitae Variant Classification Sherloc (09022015). Collection method: clinical testing. Allele origin: germline.
Comment: Algorithms developed to predict the effect of missense changes on protein structure and function do not agree on the potential impact of this missense change (SIFT: "Deleterious"; PolyPhen-2: "Possibly Damaging"; Align-GVGD: "Class C0"). This variant has not been reported in the literature in individuals with HARS-related disease. This variant is not present in population databases (ExAC no frequency). This sequence change replaces alanine with serine at codon 153 of the HARS protein (p.Ala153Ser). The alanine residue is highly conserved and there is a moderate physicochemical difference between alanine and serine. In summary, the available evidence is currently insufficient to determine the role of this variant in disease. Therefore, it has been classified as a Variant of Uncertain Significance.